The following is an entry in ClinVar:

ClinVar aggregate classification (germline): Benign/Likely benign. Review status: criteria provided, multiple submitters, no conflicts (2 of 4 stars). 10 submissions from 10 submitters: Benign (3); Likely benign (4). 3 of the submissions do not count toward it. Last evaluated 2026-08-01.

Conditions:
Autosomal recessive hypophosphatemic bone disease (HHRH). Also called: Hypophosphatemic rickets with hypercalciuria; HYPERCALCIURIC RICKETS. Identifiers: Orphanet 157215, MedGen C1853271, MONDO:0009431, OMIM 241530.

Allele frequency attached by ClinVar (database versions not stated): 1000 Genomes Project 0.00180; 1000 Genomes Project 30x 0.00219; gnomAD 0.00305 and 0.00306; TOPMed 0.00328; ESP Exome Variant Server 0.00361; gnomAD exomes 0.00362 and 0.00425; ExAC 0.00376.
gnomAD v4.1: 6,658 of 1,611,102 alleles (0.41%); highest among the groups gnomAD compares: Middle Eastern, 0.64%; 18 homozygotes.

Submissions (10):

CeGaT Center for Human Genetics Tuebingen
Classification: Likely benign. Last evaluated: 2026-08-01. Review status: criteria provided, single submitter. Criteria: CeGaT Center For Human Genetics Tuebingen Variant Classification Criteria Version 2. Collection method: clinical testing. Allele origin: germline. Affected: yes. Observed: 4 variant alleles.
Comment: SLC34A3: BP4, BP7, BS2

Labcorp Genetics (formerly Invitae), Labcorp
Classification: Benign. Last evaluated: 2026-01-29. Review status: criteria provided, single submitter. Criteria: Invitae Variant Classification Sherloc (09022015). Collection method: clinical testing. Allele origin: germline.

Mayo Clinic Laboratories, Mayo Clinic
Classification: Likely benign. Last evaluated: 2025-03-30. Review status: criteria provided, single submitter. Criteria: ACMG Guidelines, 2015. Collection method: clinical testing. Allele origin: germline. Observed: 1 variant allele.
Comment: BS1, BP4, BP7

Blueprint Genetics
Classification: Likely benign. Last evaluated: 2024-11-19. Review status: criteria provided, single submitter. Criteria: ACMG Guidelines, 2015. Collection method: clinical testing. Allele origin: germline.

Fulgent Genetics
Classification: Likely benign for Autosomal recessive hypophosphatemic bone disease. Last evaluated: 2021-07-28. Review status: criteria provided, single submitter. Criteria: ACMG Guidelines, 2015. Collection method: clinical testing. Allele origin: unknown.

Eurofins Ntd Llc (ga)
Classification: Benign. Last evaluated: 2015-06-22. Review status: criteria provided, single submitter. Criteria: EGL Classification Definitions 2015. Collection method: clinical testing. Allele origin: germline. Observed: 1 variant allele, 1 heterozygote.

Breakthrough Genomics
Classification: Benign. Review status: criteria provided, single submitter. Criteria: ACMG Guidelines, 2015. Collection method: not provided. Allele origin: germline. Inheritance: Autosomal recessive inheritance. Affected: yes.

Clinical Genetics DNA and cytogenetics Diagnostics Lab, Erasmus MC, Erasmus Medical Center
Classification: Likely benign. Review status: no assertion criteria provided. Collection method: clinical testing. Allele origin: germline. Affected: yes. Study: VKGL Data-share Consensus. Not counted in ClinVar's aggregate classification.

Genome Diagnostics Laboratory, University Medical Center Utrecht
Classification: Likely benign. Review status: no assertion criteria provided. Collection method: clinical testing. Allele origin: germline. Affected: yes. Study: VKGL Data-share Consensus. Not counted in ClinVar's aggregate classification.

Joint Genome Diagnostic Labs from Nijmegen and Maastricht, Radboudumc and MUMC+
Classification: Benign. Review status: no assertion criteria provided. Collection method: clinical testing. Allele origin: germline. Affected: yes. Study: VKGL Data-share Consensus. Not counted in ClinVar's aggregate classification.

NM_001177316.2(SLC34A3):c.1512C>T (p.Phe504=)

Gene: SLC34A3 (solute carrier family 34 member 3; plus strand). Cytogenetic location: 9q34.3.
Variant type: single nucleotide variant.
Coding change: c.1512C>T on transcript NM_001177316.2 (MANE Select); coding-DNA position 1512, C replaced by T.
Protein change: p.Phe504=; no amino-acid change (phenylalanine 504 retained).
Molecular consequence: synonymous variant.
Genome position (GRCh38, 1-based): chr9:137,236,128, C>T. VCF-style: chr9-137236128-C-T. GRCh37 (hg19) VCF-style: chr9-140130580-C-T.
Other names: p.Phe504=; c.1512C>T, p.Phe504= (NM_001177317.2, NM_080877.3).
Identifiers: ClinVar variation 281681 (VCV000281681.47), dbSNP rs146854507, ClinGen allele CA5364977.